The following is an entry in ClinVar:

ClinVar aggregate classification (germline): Uncertain significance. Review status: criteria provided, single submitter (1 of 4 stars). 2 submissions from 2 submitters: Uncertain significance (1). 1 of the submissions does not count toward it. Last evaluated 2024-02-24.

Conditions:
Alstrom syndrome (ALMS). Identifiers: Orphanet 64, MedGen C0268425, MONDO:0008763, OMIM 203800.

Submissions (2):

Labcorp Genetics (formerly Invitae), Labcorp
Classification: Uncertain significance for Alstrom syndrome. Last evaluated: 2024-02-24. Review status: criteria provided, single submitter. Criteria: Invitae Variant Classification Sherloc (09022015). Collection method: clinical testing. Allele origin: germline.
Comment: This sequence change replaces glutamic acid, which is acidic and polar, with glycine, which is neutral and non-polar, at codon 200 of the ALMS1 protein (p.Glu200Gly). This variant is not present in population databases (gnomAD no frequency). This variant has not been reported in the literature in individuals affected with ALMS1-related conditions. ClinVar contains an entry for this variant (Variation ID: 459875). Experimental studies and prediction algorithms are not available or were not evaluated, and the functional significance of this variant is currently unknown. In summary, the available evidence is currently insufficient to determine the role of this variant in disease. Therefore, it has been classified as a Variant of Uncertain Significance.

Natera, Inc.
Classification: Uncertain significance for Alstrom syndrome. Last evaluated: 2021-08-15. Review status: no assertion criteria provided. Collection method: clinical testing. Allele origin: germline. Not counted in ClinVar's aggregate classification.

NM_001378454.1(ALMS1):c.596A>G (p.Glu199Gly)

Gene: ALMS1 (ALMS1 centrosome and basal body associated protein; plus strand). Cytogenetic location: 2p13.1.
Variant type: single nucleotide variant.
Coding change: c.596A>G on transcript NM_001378454.1 (MANE Select); coding-DNA position 596, A replaced by G.
Protein change: p.Glu199Gly; replaces glutamic acid 199 with glycine.
Molecular consequence: missense variant.
Genome position (GRCh38, 1-based): chr2:73,419,268, A>G. VCF-style: chr2-73419268-A-G. GRCh37 (hg19) VCF-style: chr2-73646396-A-G.
Other names: c.599A>G, p.Glu200Gly (NM_015120.4); short protein forms E200G, E199G.
Identifiers: ClinVar variation 459875 (VCV000459875.10), dbSNP rs1553399974, ClinGen allele CA347259253.
Genomic context (GRCh38, chr2:73,419,268, plus strand): 5'-CGGAAGATACTGAAGTGACAGACTTCCCCTCTCTGGAGGAGGGCATATTGACGCAATCAG[A>G]AAATCAAGTAAAGGAACCCAACAGAGATCTCTTCTGTTCTCCACTGCTAGGTAATGCCTG-3'
Protein context (NP_001365383.1, residues 189-209): SLEEGILTQS[Glu199Gly]NQVKEPNRDL